The following is an entry in ClinVar:

ClinVar aggregate classification (germline): Uncertain significance. Review status: criteria provided, multiple submitters, no conflicts (2 of 4 stars). 2 submissions from 2 submitters: Uncertain significance (2). Last evaluated 2024-06-17.

Conditions:
Coenzyme Q10 deficiency, primary, 3 (COQ10D3). Identifiers: Orphanet 255249, MedGen C3553358, MONDO:0013838, OMIM 614652.

Allele frequency attached by ClinVar (database versions not stated): TOPMed below 0.00001; ExAC 0.00001; gnomAD 0.00001; ESP Exome Variant Server 0.00008.
gnomAD v4.1: 1 of 1,613,292 alleles (0.000062%); highest among the groups gnomAD compares: African/African-American, 0.0013%; no homozygotes.

Submissions (2):

Fulgent Genetics
Classification: Uncertain significance for Coenzyme Q10 deficiency, primary, 3. Last evaluated: 2024-06-17. Review status: criteria provided, single submitter. Criteria: ACMG Guidelines, 2015. Collection method: clinical testing. Allele origin: germline.

Labcorp Genetics (formerly Invitae), Labcorp
Classification: Uncertain significance. Last evaluated: 2022-03-13. Review status: criteria provided, single submitter. Criteria: Invitae Variant Classification Sherloc (09022015). Collection method: clinical testing. Allele origin: germline.
Comment: In summary, the available evidence is currently insufficient to determine the role of this variant in disease. Therefore, it has been classified as a Variant of Uncertain Significance. Algorithms developed to predict the effect of missense changes on protein structure and function are either unavailable or do not agree on the potential impact of this missense change (SIFT: "Deleterious"; PolyPhen-2: "Possibly Damaging"; Align-GVGD: "Class C0"). This variant has not been reported in the literature in individuals affected with PDSS2-related conditions. This variant is present in population databases (rs370960044, gnomAD 0.008%). This sequence change replaces glycine, which is neutral and non-polar, with arginine, which is basic and polar, at codon 176 of the PDSS2 protein (p.Gly176Arg).

NM_020381.4(PDSS2):c.526G>C (p.Gly176Arg)

Gene: PDSS2 (decaprenyl diphosphate synthase subunit 2; minus strand). Cytogenetic location: 6q21.
Variant type: single nucleotide variant.
Coding change: c.526G>C on transcript NM_020381.4 (MANE Select); coding-DNA position 526, G replaced by C.
Protein change: p.Gly176Arg; replaces glycine 176 with arginine.
Molecular consequence: missense variant.
Genome position (GRCh38, 1-based): chr6:107,274,133, C>G on the plus strand (G>C on the coding strand, the complement: PDSS2 is on the minus strand). VCF-style: chr6-107274133-C-G. GRCh37 (hg19) VCF-style: chr6-107595337-C-G.
Other names: short protein forms G176R.
Identifiers: ClinVar variation 1919824 (VCV001919824.4), dbSNP rs370960044, ClinGen allele CA3946100.